The following is an entry in ClinVar:

NM_020338.4(ZMIZ1):c.1108C>A (p.Pro370Thr)

Gene: ZMIZ1 (zinc finger MIZ-type containing 1; plus strand). Cytogenetic location: 10q22.3.
Variant type: single nucleotide variant.
Coding change: c.1108C>A on transcript NM_020338.4 (MANE Select); coding-DNA position 1108, C replaced by A.
Protein change: p.Pro370Thr; replaces proline 370 with threonine.
Molecular consequence: missense variant.
Genome position (GRCh38, 1-based): chr10:79,293,531, C>A. VCF-style: chr10-79293531-C-A. GRCh37 (hg19) VCF-style: chr10-81053288-C-A.
Other names: short protein forms P370T.
Identifiers: ClinVar variation 2118646 (VCV002118646.4), dbSNP rs770789504, ClinGen allele CA377334790.

ClinVar aggregate classification (germline): Uncertain significance (1 of 4 stars; one submission).

Submission:

Labcorp Genetics (formerly Invitae), Labcorp
Classification: Uncertain significance. Last evaluated: 2022-03-28. Review status: criteria provided, single submitter. Criteria: Invitae Variant Classification Sherloc (09022015). Collection method: clinical testing. Allele origin: germline.
Comment: This sequence change replaces proline, which is neutral and non-polar, with threonine, which is neutral and polar, at codon 370 of the ZMIZ1 protein (p.Pro370Thr). This variant is not present in population databases (gnomAD no frequency). This variant has not been reported in the literature in individuals affected with ZMIZ1-related conditions. Algorithms developed to predict the effect of missense changes on protein structure and function (SIFT, PolyPhen-2, Align-GVGD) all suggest that this variant is likely to be tolerated. In summary, the available evidence is currently insufficient to determine the role of this variant in disease. Therefore, it has been classified as a Variant of Uncertain Significance.